The following is an entry in ClinVar:

ClinVar aggregate classification (germline): Uncertain significance (1 of 4 stars; one submission).

gnomAD v4.1: 3 of 1,612,012 alleles (0.00019%); highest among the groups gnomAD compares: Non-Finnish European, 0.00025%; no homozygotes.

Submission:

Labcorp Genetics (formerly Invitae), Labcorp
Classification: Uncertain significance. Last evaluated: 2025-12-08. Review status: criteria provided, single submitter. Criteria: Invitae Variant Classification Sherloc (09022015). Collection method: clinical testing. Allele origin: germline.
Comment: This sequence change replaces tyrosine, which is neutral and polar, with phenylalanine, which is neutral and non-polar, at codon 549 of the RASGRP1 protein (p.Tyr549Phe). This variant is present in population databases (no rsID available, gnomAD 0.0009%). This variant has not been reported in the literature in individuals affected with RASGRP1-related conditions. Invitae Evidence Modeling of protein sequence and biophysical properties (such as structural, functional, and spatial information, amino acid conservation, physicochemical variation, residue mobility, and thermodynamic stability) indicates that this missense variant is not expected to disrupt RASGRP1 protein function with a negative predictive value of 80%. In summary, the available evidence is currently insufficient to determine the role of this variant in disease. Therefore, it has been classified as a Variant of Uncertain Significance.

NM_005739.4(RASGRP1):c.1646A>T (p.Tyr549Phe)

Gene: RASGRP1 (RAS guanyl releasing protein 1; minus strand). Cytogenetic location: 15q14.
Variant type: single nucleotide variant.
Coding change: c.1646A>T on transcript NM_005739.4 (MANE Select); coding-DNA position 1646, A replaced by T.
Protein change: p.Tyr549Phe; replaces tyrosine 549 with phenylalanine.
Molecular consequence: missense variant.
Genome position (GRCh38, 1-based): chr15:38,501,180, T>A on the plus strand (A>T on the coding strand, the complement: RASGRP1 is on the minus strand). VCF-style: chr15-38501180-T-A. GRCh37 (hg19) VCF-style: chr15-38793381-T-A.
Other names: c.1541A>T, p.Tyr514Phe (NM_001128602.2, NM_001306086.2); short protein forms Y549F, Y514F.
Identifiers: ClinVar variation 4749989 (VCV004749989.1).